The following is an entry in ClinVar:

ClinVar aggregate classification (germline): Uncertain significance (1 of 4 stars; one submission).

Conditions:
Cardiovascular phenotype. Identifiers: MedGen CN230736.

Submission:

Ambry Genetics
Classification: Uncertain significance for Cardiovascular phenotype. Last evaluated: 2024-10-29. Review status: criteria provided, single submitter. Criteria: Ambry Variant Classification Scheme 2023. Collection method: clinical testing. Allele origin: germline.
Comment: The c.1152delC variant, located in coding exon 11 of the MAP2K1 gene, results from a deletion of one nucleotide at nucleotide position 1152, causing a translational frameshift with a predicted alternate stop codon (p.S385Afs*49). This alteration is expected to result in protein truncation or nonsense-mediated mRNA decay. However, loss of function of MAP2K1 has not been established as a mechanism of disease. Based on the available evidence, the clinical significance of this alteration remains unclear.

NM_002755.4(MAP2K1):c.1152del (p.Ser385fs)

Genes: MAP2K1 (mitogen-activated protein kinase kinase 1; plus strand), SNAPC5 (small nuclear RNA activating complex polypeptide 5; minus strand). Cytogenetic location: 15q22.31.
Variant type: Deletion.
Coding change: c.1152del on transcript NM_002755.4 (MANE Select); coding-DNA position 1152, one base deleted (C; older notation c.1152delC).
Protein change: p.Ser385fs; shifts the reading frame from serine 385.
Molecular consequence: frameshift variant. On other transcripts: 3 prime UTR variant (1), non-coding transcript variant (1).
Genome position (GRCh38, 1-based): chr15:66,490,585, C deleted; the last of 3 consecutive C bases (chr15:66,490,583-66,490,585); deleting any one gives the same sequence. VCF-style (leftmost placement, unchanged base first): chr15-66490582-GC-G. GRCh37 (hg19) VCF-style: chr15-66782920-GC-G.
Other names: c.*156del (NM_006049.4); c.1008del, p.Ser337fs (NM_001411065.1); short protein forms S337fs, S385fs.
Identifiers: ClinVar variation 3542698 (VCV003542698.1).